The following is an entry in ClinVar:

ClinVar aggregate classification (germline): Uncertain significance. Review status: criteria provided, multiple submitters, no conflicts (2 of 4 stars). 2 submissions from 2 submitters: Uncertain significance (2). Last evaluated 2023-12-28.

Allele frequency attached by ClinVar (database versions not stated): gnomAD exomes below 0.00001; ExAC 0.00001.
gnomAD v4.1: 1 of 1,614,216 alleles (0.000062%); highest among the groups gnomAD compares: South Asian, 0.0011%; no homozygotes.

Submissions (2):

Ambry Genetics
Classification: Uncertain significance. Last evaluated: 2023-12-28. Review status: criteria provided, single submitter. Criteria: Ambry Variant Classification Scheme 2023. Collection method: clinical testing. Allele origin: germline.

Labcorp Genetics (formerly Invitae), Labcorp
Classification: Uncertain significance. Last evaluated: 2020-11-10. Review status: criteria provided, single submitter. Criteria: Invitae Variant Classification Sherloc (09022015). Collection method: clinical testing. Allele origin: germline.
Comment: This sequence change replaces cysteine with arginine at codon 254 of the GALNT12 protein (p.Cys254Arg). The cysteine residue is highly conserved and there is a large physicochemical difference between cysteine and arginine. This variant is present in population databases (rs750084638, ExAC 0.006%). This variant has not been reported in the literature in individuals with GALNT12-related conditions. Algorithms developed to predict the effect of missense changes on protein structure and function (SIFT, PolyPhen-2, Align-GVGD) all suggest that this variant is likely to be disruptive, but these predictions have not been confirmed by published functional studies and their clinical significance is uncertain. In summary, the available evidence is currently insufficient to determine the role of this variant in disease. Therefore, it has been classified as a Variant of Uncertain Significance.

NM_024642.5(GALNT12):c.760T>C (p.Cys254Arg)

Gene: GALNT12 (polypeptide N-acetylgalactosaminyltransferase 12; plus strand). Cytogenetic location: 9q22.33.
Variant type: single nucleotide variant.
Coding change: c.760T>C on transcript NM_024642.5 (MANE Select); coding-DNA position 760, T replaced by C.
Protein change: p.Cys254Arg; replaces cysteine 254 with arginine.
Molecular consequence: missense variant.
Genome position (GRCh38, 1-based): chr9:98,831,800, T>C. VCF-style: chr9-98831800-T-C. GRCh37 (hg19) VCF-style: chr9-101594082-T-C.
Other names: short protein forms C254R.
Identifiers: ClinVar variation 642499 (VCV000642499.9), dbSNP rs750084638, ClinGen allele CA5154051.